The following is an entry in ClinVar:

ClinVar aggregate classification (germline): Uncertain significance (1 of 4 stars; one submission).

Conditions:
Charcot-Marie-Tooth disease, type I (CMT1). Also called: Charcot-Marie-Tooth disease type 1; Charcot-Marie-Tooth, Type 1. Identifiers: Orphanet 65753, MedGen C0751036, MONDO:0019011.

Submission:

Labcorp Genetics (formerly Invitae), Labcorp
Classification: Uncertain significance for Charcot-Marie-Tooth disease, type I. Last evaluated: 2022-10-27. Review status: criteria provided, single submitter. Criteria: Invitae Variant Classification Sherloc (09022015). Collection method: clinical testing. Allele origin: germline.
Comment: In summary, the available evidence is currently insufficient to determine the role of this variant in disease. Therefore, it has been classified as a Variant of Uncertain Significance. Advanced modeling of protein sequence and biophysical properties (such as structural, functional, and spatial information, amino acid conservation, physicochemical variation, residue mobility, and thermodynamic stability) performed at Invitae indicates that this missense variant is expected to disrupt MPZ protein function. This sequence change replaces glycine, which is neutral and non-polar, with alanine, which is neutral and non-polar, at codon 43 of the MPZ protein (p.Gly43Ala). This variant is not present in population databases (gnomAD no frequency). This variant has not been reported in the literature in individuals affected with MPZ-related conditions.

NM_000530.8(MPZ):c.128G>C (p.Gly43Ala)

Gene: MPZ (myelin protein zero; minus strand). Cytogenetic location: 1q23.3.
Variant type: single nucleotide variant.
Coding change: c.128G>C on transcript NM_000530.8 (MANE Select); coding-DNA position 128, G replaced by C.
Protein change: p.Gly43Ala; replaces glycine 43 with alanine.
Molecular consequence: missense variant.
Genome position (GRCh38, 1-based): chr1:161,307,364, C>G on the plus strand (G>C on the coding strand, the complement: MPZ is on the minus strand). VCF-style: chr1-161307364-C-G. GRCh37 (hg19) VCF-style: chr1-161277154-C-G.
Other names: c.128G>C, p.Gly43Ala (NM_001315491.2); short protein forms G43A.
Identifiers: ClinVar variation 2810023 (VCV002810023.3), dbSNP rs1571820237, ClinGen allele CA343351348.